The following is an entry in ClinVar:

NM_001844.5(COL2A1):c.504_505delinsA (p.Pro170fs)

Gene: COL2A1 (collagen type II alpha 1 chain; minus strand). Cytogenetic location: 12q13.11.
Variant type: Indel.
Coding change: c.504_505delinsA on transcript NM_001844.5 (MANE Select); coding-DNA positions 504 to 505, CC replaced by A.
Protein change: p.Pro170fs; shifts the reading frame from proline 170.
Molecular consequence: frameshift variant.
Genome position (GRCh38, 1-based): chr12:47,997,632-47,997,633, GG replaced by T on the plus strand (CC replaced by A on the coding strand, the reverse complement: COL2A1 is on the minus strand). VCF-style: chr12-47997632-GG-T. GRCh37 (hg19) VCF-style: chr12-48391415-GG-T.
Other names: c.504_505delCCinsA (NM_001844.4); c.297_298delinsA, p.Pro101fs (NM_033150.3); c.504_505delinsA (NM_001844.4); short protein forms P101fs, P170fs.
Identifiers: ClinVar variation 818081 (VCV000818081.2), dbSNP rs1592235212, ClinGen allele CA915948793.

ClinVar aggregate classification (germline): Pathogenic (1 of 4 stars; one submission).

Submission:

GeneDx
Classification: Pathogenic. Last evaluated: 2023-06-22. Review status: criteria provided, single submitter. Criteria: GeneDx Variant Classification Process June 2021. Collection method: clinical testing. Allele origin: germline. Affected: yes.
Comment: Has not been previously published as pathogenic or benign to our knowledge; Not observed in large population cohorts (gnomAD); Frameshift variant predicted to result in protein truncation or nonsense mediated decay in a gene for which loss-of-function is a known mechanism of disease